The following is an entry in ClinVar:

ClinVar aggregate classification (germline): Conflicting classifications of pathogenicity. Review status: criteria provided, conflicting classifications (1 of 4 stars). 3 submissions from 3 submitters: Likely pathogenic (1); Uncertain significance (2). Last evaluated 2022-10-21.

Conditions:
Developmental and epileptic encephalopathy, 31A. Also called: Developmental and epileptic encephalopathy, 31; Epileptic encephalopathy, early infantile, 31. Identifiers: Orphanet 2382, MedGen C4225357, MONDO:0014598, OMIM 616346.
Inborn genetic diseases. Identifiers: MedGen C0950123, MeSH D030342.

Allele frequency attached by ClinVar (database versions not stated): gnomAD exomes below 0.00001.
gnomAD v4.1: 1 of 1,358,218 alleles (0.000074%); highest among the groups gnomAD compares: Non-Finnish European, 0.000094%; no homozygotes.

Submissions (3):

Labcorp Genetics (formerly Invitae), Labcorp
Classification: Uncertain significance for Developmental and epileptic encephalopathy, 31A. Last evaluated: 2022-10-21. Review status: criteria provided, single submitter. Criteria: Invitae Variant Classification Sherloc (09022015). Collection method: clinical testing. Allele origin: germline.
Comment: Advanced modeling of protein sequence and biophysical properties (such as structural, functional, and spatial information, amino acid conservation, physicochemical variation, residue mobility, and thermodynamic stability) has been performed at Invitae for this missense variant, however the output from this modeling did not meet the statistical confidence thresholds required to predict the impact of this variant on DNM1 protein function. In summary, the available evidence is currently insufficient to determine the role of this variant in disease. Therefore, it has been classified as a Variant of Uncertain Significance. This sequence change replaces glycine, which is neutral and non-polar, with valine, which is neutral and non-polar, at codon 797 of the DNM1 protein (p.Gly797Val). The frequency data for this variant in the population databases is considered unreliable, as metrics indicate poor data quality at this position in the gnomAD database. This variant has not been reported in the literature in individuals affected with DNM1-related conditions. ClinVar contains an entry for this variant (Variation ID: 589843).

GeneDx
Classification: Likely pathogenic. Last evaluated: 2022-07-28. Review status: criteria provided, single submitter. Criteria: GeneDx Variant Classification Process June 2021. Collection method: clinical testing. Allele origin: germline. Affected: yes.
Comment: In silico analysis supports that this missense variant does not alter protein structure/function; Has not been previously published as pathogenic or benign to our knowledge

Ambry Genetics
Classification: Uncertain significance for Inborn genetic diseases. Last evaluated: 2016-05-31. Review status: criteria provided, single submitter. Criteria: Ambry Variant Classification Scheme 2023. Collection method: clinical testing. Allele origin: germline.
Comment: The p.G797V variant (also known as c.2390G>T), located in coding exon 21 of the DNM1 gene, results from a G to T substitution at nucleotide position 2390. The glycine at codon 797 is replaced by valine, an amino acid with dissimilar properties. This variant was not reported in population based cohorts in the following databases: Database of Single Nucleotide Polymorphisms (dbSNP), NHLBI Exome Sequencing Project (ESP), and 1000 Genomes Project. In the ESP, this variant was not observed in 2109 samples (4218 alleles) with coverage at this position. This amino acid position is highly conserved in available vertebrate species. In addition, this alteration is predicted to be tolerated by in silico analysis. Since supporting evidence is limited at this time, the clinical significance of this alteration remains unclear.

NM_004408.4(DNM1):c.2390G>T (p.Gly797Val)

Genes: DNM1 (dynamin 1; plus strand), LOC130002698 (ATAC-STARR-seq lymphoblastoid silent region 20332; plus strand). Cytogenetic location: 9q34.11.
Variant type: single nucleotide variant.
Coding change: c.2390G>T on transcript NM_004408.4 (MANE Select); coding-DNA position 2390, G replaced by T.
Protein change: p.Gly797Val; replaces glycine 797 with valine.
Molecular consequence: missense variant.
Genome position (GRCh38, 1-based): chr9:128,250,796, G>T. VCF-style: chr9-128250796-G-T. GRCh37 (hg19) VCF-style: chr9-131013075-G-T.
Other names: c.2390G>T, p.Gly797Val (NM_001005336.3, NM_001288737.2, NM_001288738.2 and 1 more transcripts); c.2390G>T (NM_004408.3); short protein forms G797V.
Identifiers: ClinVar variation 589843 (VCV000589843.49), dbSNP rs1486970211, ClinGen allele CA375001624.
Genomic context (GRCh38, chr9:128,250,796, plus strand): 5'-CCAGCCCCACGCCGCAGCGCCGAGCCCCCGCCGTGCCCCCAGCCCGGCCCGGGTCGCGGG[G>T]CCCTGCTCCTGGGCCTCCGCCTGCTGGGTCCGCCCTGGGGGGGGCGCCCCCCGTGCCCTC-3'
Protein context (NP_004399.2, residues 787-807): AVPPARPGSR[Gly797Val]PAPGPPPAGS